The following is an entry in ClinVar:

ClinVar aggregate classification (germline): Uncertain significance (1 of 4 stars; one submission).

Conditions:
Joubert syndrome 8 (JBTS8). Identifiers: Orphanet 475, MedGen C2676771, MONDO:0012855, OMIM 612291.

Submission:

Labcorp Genetics (formerly Invitae), Labcorp
Classification: Uncertain significance for Joubert syndrome 8. Last evaluated: 2020-12-22. Review status: criteria provided, single submitter. Criteria: Invitae Variant Classification Sherloc (09022015). Collection method: clinical testing. Allele origin: germline.
Comment: This variant has not been reported in the literature in individuals with ARL13B-related conditions. In summary, the available evidence is currently insufficient to determine the role of this variant in disease. Therefore, it has been classified as a Variant of Uncertain Significance. Experimental studies and prediction algorithms are not available or were not evaluated, and the functional significance of this variant is currently unknown. This variant is not present in population databases (ExAC no frequency). This variant, c.174_191dup, results in the insertion of 6 amino acid(s) to the ARL13B protein (p.Gly63_Lys64insAsnAsnLeuArgGlnGly), but otherwise preserves the integrity of the reading frame.

NM_001174150.2(ARL13B):c.174_191dup (p.Gly63_Lys64insAsnAsnLeuArgGlnGly)

Gene: ARL13B (ARF like GTPase 13B; plus strand). Cytogenetic location: 3q11.2.
Variant type: Duplication.
Coding change: c.174_191dup on transcript NM_001174150.2 (MANE Select); coding-DNA positions 174 to 191, 18 bases duplicated (TAACCTTAGACAAGGAAA).
Protein change: p.Gly63_Lys64insAsnAsnLeuArgGlnGly.
Molecular consequence: inframe insertion. On other transcripts: 5 prime UTR variant (1), intron variant (1).
Genome position (GRCh38, 1-based): chr3:94,003,702-94,003,719, TAACCTTAGACAAGGAAA duplicated. VCF-style (leftmost placement, unchanged base first): chr3-94003701-T-TTAACCTTAGACAAGGAAA. GRCh37 (hg19) VCF-style: chr3-93722545-T-TTAACCTTAGACAAGGAAA.
Other names: c.-136_-119dup (NM_001174151.2); c.129_146dup, p.Gly48_Lys49insAsnAsnLeuArgGlnGly (NM_001321328.2); c.174_191dup, p.Gly63_Lys64insAsnAsnLeuArgGlnGly (NM_182896.3); c.59+23220_59+23237dup (NM_144996.4).
Identifiers: ClinVar variation 1385872 (VCV001385872.8), dbSNP rs2107435150, ClinGen allele CA2573137522.